The following is an entry in ClinVar:

ClinVar aggregate classification (germline): Pathogenic. Review status: criteria provided, multiple submitters, no conflicts (2 of 4 stars). 3 submissions from 3 submitters: Pathogenic (2). 1 of the submissions does not count toward it. Last evaluated 2024-11-21.

Conditions:
BEST1-related disorder. Also called: BEST1-related disorders; BEST1-related condition. Identifiers: MedGen CN239200.

Allele frequency attached by ClinVar (database versions not stated): gnomAD 0.00001; TOPMed 0.00001.
gnomAD v4.1: 36 of 1,550,384 alleles (0.0023%); highest among the groups gnomAD compares: Non-Finnish European, 0.0031%; no homozygotes.

Submissions (3):

Labcorp Genetics (formerly Invitae), Labcorp
Classification: Pathogenic. Last evaluated: 2024-11-21. Review status: criteria provided, single submitter. Criteria: Invitae Variant Classification Sherloc (09022015). Collection method: clinical testing. Allele origin: germline.
Comment: This sequence change replaces arginine, which is basic and polar, with serine, which is neutral and polar, at codon 141 of the BEST1 protein (p.Arg141Ser). This variant is not present in population databases (gnomAD no frequency). This missense change has been observed in individual(s) with autosomal recessive Best vitelliform macular dystrophy (PMID: 21320969). In at least one individual the data is consistent with being in trans (on the opposite chromosome) from a pathogenic variant. ClinVar contains an entry for this variant (Variation ID: 99721). Invitae Evidence Modeling of protein sequence and biophysical properties (such as structural, functional, and spatial information, amino acid conservation, physicochemical variation, residue mobility, and thermodynamic stability) indicates that this missense variant is expected to disrupt BEST1 protein function with a positive predictive value of 95%. This variant disrupts the p.Arg141 amino acid residue in BEST1. Other variant(s) that disrupt this residue have been determined to be pathogenic (PMID: 16754206, 18179881, 21330666, 21809908). This suggests that this residue is clinically significant, and that variants that disrupt this residue are likely to be disease-causing. For these reasons, this variant has been classified as Pathogenic.

Blueprint Genetics
Classification: Pathogenic for BEST1-related disorders. Last evaluated: 2019-08-15. Review status: criteria provided, single submitter. Criteria: ACMG Guidelines, 2015. Collection method: clinical testing. Allele origin: germline. Affected: yes. Observed: 1 variant allele.

Retina International
No classification provided. Review status: no classification provided. Collection method: not provided. Allele origin: not provided. Not counted in ClinVar's aggregate classification.

Literature cited by the submitters: PubMed 21320969 (cited by Labcorp Genetics (formerly Invitae), Labcorp); PubMed 16754206 (cited by Labcorp Genetics (formerly Invitae), Labcorp); PubMed 18179881 (cited by Labcorp Genetics (formerly Invitae), Labcorp); PubMed 21330666 (cited by Labcorp Genetics (formerly Invitae), Labcorp); PubMed 21809908 (cited by Labcorp Genetics (formerly Invitae), Labcorp).

NM_004183.4(BEST1):c.421C>A (p.Arg141Ser)

Gene: BEST1 (bestrophin 1; plus strand). Cytogenetic location: 11q12.3.
Variant type: single nucleotide variant.
Coding change: c.421C>A on transcript NM_004183.4 (MANE Select); coding-DNA position 421, C replaced by A.
Protein change: p.Arg141Ser; replaces arginine 141 with serine.
Molecular consequence: missense variant. On other transcripts: non-coding transcript variant (1).
Genome position (GRCh38, 1-based): chr11:61,955,891, C>A. VCF-style: chr11-61955891-C-A. GRCh37 (hg19) VCF-style: chr11-61723363-C-A.
Other names: c.241C>A, p.Arg81Ser (NM_001139443.3, NM_001300786.2, NM_001300787.2); c.103C>A, p.Arg35Ser (NM_001363591.3); c.421C>A, p.Arg141Ser (NM_001363592.2); c.-755C>A (NM_001363593.3); short protein forms R141S, R35S, R81S.
Identifiers: ClinVar variation 99721 (VCV000099721.12), dbSNP rs281865236, ClinGen allele CA227778.